The following is an entry in ClinVar:

NM_144573.4(NEXN):c.1898G>A (p.Arg633Lys)

Gene: NEXN (nexilin F-actin binding protein; plus strand). Cytogenetic location: 1p31.1.
Variant type: single nucleotide variant.
Coding change: c.1898G>A on transcript NM_144573.4 (MANE Select); coding-DNA position 1898, G replaced by A.
Protein change: p.Arg633Lys; replaces arginine 633 with lysine.
Molecular consequence: missense variant.
Genome position (GRCh38, 1-based): chr1:77,942,699, G>A. VCF-style: chr1-77942699-G-A. GRCh37 (hg19) VCF-style: chr1-78408384-G-A.
Other names: c.1706G>A, p.Arg569Lys (NM_001172309.2); short protein forms R569K, R633K.
Identifiers: ClinVar variation 2633687 (VCV002633687.4), dbSNP rs768461695, ClinGen allele CA919003.

ClinVar aggregate classification (germline): Uncertain significance. Review status: criteria provided, multiple submitters, no conflicts (2 of 4 stars). 3 submissions from 3 submitters: Uncertain significance (3). Last evaluated 2025-11-11.

Conditions:
Cardiovascular phenotype. Identifiers: MedGen CN230736.
NEXN-related disorder. Also called: NEXN-related condition; NEXN-related disorders.

gnomAD v4.1: 9 of 1,613,762 alleles (0.00056%); highest among the groups gnomAD compares: South Asian, 0.0099%; no homozygotes.

Submissions (3):

PreventionGenetics, part of Exact Sciences
Classification: Uncertain significance for NEXN-related condition. Last evaluated: 2025-11-11. Review status: criteria provided, single submitter. Criteria: ACMG Guidelines, 2015. Collection method: clinical testing. Allele origin: germline.
Comment: The NEXN c.1898G>A variant is predicted to result in the amino acid substitution p.Arg633Lys. This variant has been reported in an individual with dilated cardiomyopathy; however, pathogenicity was not established with functional or segregation analysis (Table S3 in Mazzarotto et al. 2020. PubMed ID: 31983221). This variant is reported in 0.0065% of alleles in individuals of South Asian descent in gnomAD. At this time, the clinical significance of this variant is uncertain due to the absence of conclusive functional and genetic evidence.

Ambry Genetics
Classification: Uncertain significance for Cardiovascular phenotype. Last evaluated: 2024-05-20. Review status: criteria provided, single submitter. Criteria: Ambry Variant Classification Scheme 2023. Collection method: clinical testing. Allele origin: germline.
Comment: The p.R633K variant (also known as c.1898G>A), located in coding exon 12 of the NEXN gene, results from a G to A substitution at nucleotide position 1898. The arginine at codon 633 is replaced by lysine, an amino acid with highly similar properties. This variant has been reported in a dilated cardiomyopathy (DCM) cohort (Mazzarotto F et al. Circulation, 2020 Feb;141:387-398). This amino acid position is highly conserved in available vertebrate species. In addition, this alteration is predicted to be tolerated by in silico analysis. Based on the available evidence, the clinical significance of this variant remains unclear.

Blueprint Genetics
Classification: Uncertain significance. Last evaluated: 2023-01-04. Review status: criteria provided, single submitter. Criteria: ACMG Guidelines, 2015. Collection method: clinical testing. Allele origin: germline.

Literature cited by the submitters: PubMed 31983221 (cited by Ambry Genetics).